The following is an entry in ClinVar:

ClinVar aggregate classification (germline): Uncertain significance (1 of 4 stars; one submission).

Conditions:
Developmental and epileptic encephalopathy, 2 (DEE2). Also called: CDKL5 deficiency disorder; INFANTILE SPASM SYNDROME, X-LINKED 2. Identifiers: Orphanet 1934, Orphanet 3451, Orphanet 505652, MedGen C4750718, MONDO:0010396, OMIM 300672.
Angelman syndrome-like. Identifiers: MedGen CN128785.

Submission:

Labcorp Genetics (formerly Invitae), Labcorp
Classification: Uncertain significance for Developmental and epileptic encephalopathy, 2; Angelman syndrome-like. Last evaluated: 2024-04-29. Review status: criteria provided, single submitter. Criteria: Invitae Variant Classification Sherloc (09022015). Collection method: clinical testing. Allele origin: germline.
Comment: This sequence change replaces histidine, which is basic and polar, with glutamine, which is neutral and polar, at codon 589 of the CDKL5 protein (p.His589Gln). This variant is not present in population databases (gnomAD no frequency). This variant has not been reported in the literature in individuals affected with CDKL5-related conditions. Advanced modeling of protein sequence and biophysical properties (such as structural, functional, and spatial information, amino acid conservation, physicochemical variation, residue mobility, and thermodynamic stability) performed at Invitae indicates that this missense variant is not expected to disrupt CDKL5 protein function with a negative predictive value of 95%. In summary, the available evidence is currently insufficient to determine the role of this variant in disease. Therefore, it has been classified as a Variant of Uncertain Significance.

NM_001323289.2(CDKL5):c.1767C>A (p.His589Gln)

Gene: CDKL5 (cyclin dependent kinase like 5; plus strand). Cytogenetic location: Xp22.13.
Variant type: single nucleotide variant.
Coding change: c.1767C>A on transcript NM_001323289.2 (MANE Select); coding-DNA position 1767, C replaced by A.
Protein change: p.His589Gln; replaces histidine 589 with glutamine.
Molecular consequence: missense variant.
Genome position (GRCh38, 1-based): chrX:18,604,691, C>A. VCF-style: chrX-18604691-C-A. GRCh37 (hg19) VCF-style: chrX-18622811-C-A.
Other names: c.1767C>A, p.His589Gln (NM_001037343.2, NM_003159.3); short protein forms H589Q.
Identifiers: ClinVar variation 3753776 (VCV003753776.2).
Genomic context (GRCh38, chrX:18,604,691, plus strand): 5'-GGAATTGAAGCTGCCGGAGCACATGGACAGTAGCCATTCCCATTCACTGTCTGCACCTCA[C>A]GAATCTTTTTCTTATGGACTGGGCTACACCAGCCCCTTTTCTTCCCAGCAACGTCCTCAT-3'
Protein context (NP_001310218.1, residues 579-599): SSHSHSLSAP[His589Gln]ESFSYGLGYT